The following is an entry in ClinVar:

ClinVar aggregate classification (germline): Uncertain significance (1 of 4 stars; one submission).

Conditions:
Familial adenomatous polyposis 1 (FAP1). Also called: FAMILIAL ADENOMATOUS POLYPOSIS 1, ATTENUATED; POLYPOSIS, ADENOMATOUS INTESTINAL. Identifiers: MedGen C2713442, MONDO:0021056, OMIM 175100. Disease mechanism: loss of function.

gnomAD v4.1: 1 of 1,613,892 alleles (0.000062%); highest among the groups gnomAD compares: South Asian, 0.0011%; no homozygotes.

Submission:

Labcorp Genetics (formerly Invitae), Labcorp
Classification: Uncertain significance for Familial adenomatous polyposis 1. Last evaluated: 2025-05-20. Review status: criteria provided, single submitter. Criteria: Invitae Variant Classification Sherloc (09022015). Collection method: clinical testing. Allele origin: germline.
Comment: This sequence change replaces proline, which is neutral and non-polar, with threonine, which is neutral and polar, at codon 2094 of the APC protein (p.Pro2094Thr). This variant is not present in population databases (gnomAD no frequency). This variant has not been reported in the literature in individuals affected with APC-related conditions. Invitae Evidence Modeling of protein sequence and biophysical properties (such as structural, functional, and spatial information, amino acid conservation, physicochemical variation, residue mobility, and thermodynamic stability) indicates that this missense variant is not expected to disrupt APC protein function with a negative predictive value of 95%. In summary, the available evidence is currently insufficient to determine the role of this variant in disease. Therefore, it has been classified as a Variant of Uncertain Significance.

NM_000038.6(APC):c.6280C>A (p.Pro2094Thr)

Gene: APC (APC regulator of Wnt signaling pathway; plus strand). Cytogenetic location: 5q22.2.
Variant type: single nucleotide variant.
Coding change: c.6280C>A on transcript NM_000038.6 (MANE Select); coding-DNA position 6280, C replaced by A.
Protein change: p.Pro2094Thr; replaces proline 2094 with threonine.
Molecular consequence: missense variant. On other transcripts: non-coding transcript variant (2).
Genome position (GRCh38, 1-based): chr5:112,841,874, C>A. VCF-style: chr5-112841874-C-A. GRCh37 (hg19) VCF-style: chr5-112177571-C-A.
Other names: c.6280C>A, p.Pro2094Thr (NM_001127510.3, NM_001354895.2, NM_001407450.1); c.6226C>A, p.Pro2076Thr (NM_001127511.3); c.6334C>A, p.Pro2112Thr (NM_001354896.2, NM_001407447.1, NM_001407448.1 and 1 more transcripts); c.6310C>A, p.Pro2104Thr (NM_001354897.2); c.6205C>A, p.Pro2069Thr (NM_001354898.2); c.6196C>A, p.Pro2066Thr (NM_001354899.2); c.6157C>A, p.Pro2053Thr (NM_001354900.2); c.6103C>A, p.Pro2035Thr (NM_001354901.2, NM_001407453.1); and 11 more; short protein forms P1811T, P1965T, P1968T, P2011T, P2035T, P2053T, P2066T, P2104T.
Identifiers: ClinVar variation 4705964 (VCV004705964.1).